The following is an entry in ClinVar:

NM_003500.4(ACOX2):c.886G>A (p.Val296Met)

Gene: ACOX2 (acyl-CoA oxidase 2; minus strand). Cytogenetic location: 3p14.3.
Variant type: single nucleotide variant.
Coding change: c.886G>A on transcript NM_003500.4 (MANE Select); coding-DNA position 886, G replaced by A.
Protein change: p.Val296Met; replaces valine 296 with methionine.
Molecular consequence: missense variant.
Genome position (GRCh38, 1-based): chr3:58,530,572, C>T on the plus strand (G>A on the coding strand, the complement: ACOX2 is on the minus strand). VCF-style: chr3-58530572-C-T. GRCh37 (hg19) VCF-style: chr3-58516299-C-T.
Other names: NC_000003.11:g.58516299C>T; short protein forms V296M.
Identifiers: ClinVar variation 3138328 (VCV003138328.3), dbSNP rs377280329, ClinGen allele CA2472242.

ClinVar aggregate classification (germline): Uncertain significance. Review status: criteria provided, multiple submitters, no conflicts (2 of 4 stars). 2 submissions from 2 submitters: Uncertain significance (2). Last evaluated 2025-12-24.

Allele frequency attached by ClinVar (database versions not stated): gnomAD exomes below 0.00001; ExAC 0.00003; TOPMed 0.00009; gnomAD 0.00013; ESP Exome Variant Server 0.00015; 1000 Genomes Project 0.00020; 1000 Genomes Project 30x 0.00031.
gnomAD v4.1: 27 of 1,614,258 alleles (0.0017%); highest among the groups gnomAD compares: African/African-American, 0.035%; no homozygotes.

Submissions (3):

Labcorp Genetics (formerly Invitae), Labcorp
Classification: Uncertain significance. Last evaluated: 2025-12-24. Review status: criteria provided, single submitter. Criteria: Invitae Variant Classification Sherloc (09022015). Collection method: clinical testing. Allele origin: germline.
Comment: This sequence change replaces valine, which is neutral and non-polar, with methionine, which is neutral and non-polar, at codon 296 of the ACOX2 protein (p.Val296Met). This variant is present in population databases (rs377280329, gnomAD 0.05%). This variant has not been reported in the literature in individuals affected with ACOX2-related conditions. ClinVar contains an entry for this variant (Variation ID: 3138328). Invitae Evidence Modeling of protein sequence and biophysical properties (such as structural, functional, and spatial information, amino acid conservation, physicochemical variation, residue mobility, and thermodynamic stability) indicates that this missense variant is not expected to disrupt ACOX2 protein function with a negative predictive value of 80%. In summary, the available evidence is currently insufficient to determine the role of this variant in disease. Therefore, it has been classified as a Variant of Uncertain Significance.

Ambry Genetics
Classification: Uncertain significance. Last evaluated: 2024-01-09. Review status: criteria provided, single submitter. Criteria: Ambry Variant Classification Scheme 2023. Collection method: clinical testing. Allele origin: germline.

Dr. Peter K. Rogan Lab, Western University
No classification provided (evidence only). Condition: Thymoma. Review status: no classification provided. Collection method: in vitro. Allele origin: not applicable. Functional consequence: skipped exon. Not counted in ClinVar's aggregate classification.